The following is an entry in ClinVar:

NM_000784.4(CYP27A1):c.769C>T (p.Leu257Phe)

Gene: CYP27A1 (cytochrome P450 family 27 subfamily A member 1; plus strand). Cytogenetic location: 2q35.
Variant type: single nucleotide variant.
Coding change: c.769C>T on transcript NM_000784.4 (MANE Select); coding-DNA position 769, C replaced by T.
Protein change: p.Leu257Phe; replaces leucine 257 with phenylalanine.
Molecular consequence: missense variant.
Genome position (GRCh38, 1-based): chr2:218,812,674, C>T. VCF-style: chr2-218812674-C-T. GRCh37 (hg19) VCF-style: chr2-219677397-C-T.
Other names: short protein forms L257F.
Identifiers: ClinVar variation 1444517 (VCV001444517.5), dbSNP rs763461546, ClinGen allele CA2112712.

ClinVar aggregate classification (germline): Uncertain significance (1 of 4 stars; one submission).

Conditions:
Cholestanol storage disease (CTX). Also called: CEREBRAL CHOLESTERINOSIS; Cerebrotendinous Xanthomatosis; CTX: Cerebrotendinous xanthomatosis. Identifiers: Orphanet 909, MedGen C0238052, MONDO:0008948, OMIM 213700.

Allele frequency attached by ClinVar (database versions not stated): gnomAD exomes below 0.00001; TOPMed below 0.00001; ExAC 0.00001.

Submission:

Labcorp Genetics (formerly Invitae), Labcorp
Classification: Uncertain significance for Cholestanol storage disease. Last evaluated: 2022-07-26. Review status: criteria provided, single submitter. Criteria: Invitae Variant Classification Sherloc (09022015). Collection method: clinical testing. Allele origin: germline.
Comment: This sequence change replaces leucine, which is neutral and non-polar, with phenylalanine, which is neutral and non-polar, at codon 257 of the CYP27A1 protein (p.Leu257Phe). This variant is present in population databases (rs763461546, gnomAD 0.006%). This variant has not been reported in the literature in individuals affected with CYP27A1-related conditions. ClinVar contains an entry for this variant (Variation ID: 1444517). Advanced modeling of protein sequence and biophysical properties (such as structural, functional, and spatial information, amino acid conservation, physicochemical variation, residue mobility, and thermodynamic stability) performed at Invitae indicates that this missense variant is not expected to disrupt CYP27A1 protein function. In summary, the available evidence is currently insufficient to determine the role of this variant in disease. Therefore, it has been classified as a Variant of Uncertain Significance.